The following is an entry in ClinVar:

NM_139321.3(ATRN):c.1234G>C (p.Asp412His)

Gene: ATRN (attractin; plus strand). Cytogenetic location: 20p13.
Variant type: single nucleotide variant.
Coding change: c.1234G>C on transcript NM_139321.3 (MANE Select); coding-DNA position 1234, G replaced by C.
Protein change: p.Asp412His; replaces aspartic acid 412 with histidine.
Molecular consequence: missense variant.
Genome position (GRCh38, 1-based): chr20:3,560,692, G>C. VCF-style: chr20-3560692-G-C. GRCh37 (hg19) VCF-style: chr20-3541339-G-C.
Other names: c.886G>C, p.Asp296His (NM_001207047.3); c.1234G>C, p.Asp412His (NM_001323332.2, NM_139322.4); short protein forms D296H, D412H.
Identifiers: ClinVar variation 3347044 (VCV003347044.1).

ClinVar aggregate classification (germline): Uncertain significance (0 of 4 stars; one submission).

Conditions:
ATRN-related disorder. Also called: ATRN-related condition.

Submission:

PreventionGenetics, part of Exact Sciences
Classification: Uncertain significance for ATRN-related condition. Last evaluated: 2024-06-15. Review status: no assertion criteria provided. Collection method: clinical testing. Allele origin: germline.
Comment: The ATRN c.1234G>C variant is predicted to result in the amino acid substitution p.Asp412His. To our knowledge, this variant has not been reported in the literature or in a large population database, indicating this variant is rare. At this time, the clinical significance of this variant is uncertain due to the absence of conclusive functional and genetic evidence.